The following is an entry in ClinVar:

ClinVar aggregate classification (germline): Conflicting classifications of pathogenicity. Review status: criteria provided, conflicting classifications (1 of 4 stars). 2 submissions from 2 submitters: Likely pathogenic (1); Uncertain significance (1). Last evaluated 2026-03-01.

Submissions (2):

CeGaT Center for Human Genetics Tuebingen
Classification: Uncertain significance. Last evaluated: 2026-03-01. Review status: criteria provided, single submitter. Criteria: CeGaT Center For Human Genetics Tuebingen Variant Classification Criteria Version 2. Collection method: clinical testing. Allele origin: germline. Affected: yes. Observed: 1 variant allele.
Comment: SERPING1: PM2, PS4:Moderate

Labcorp Genetics (formerly Invitae), Labcorp
Classification: Likely pathogenic. Last evaluated: 2025-05-10. Review status: criteria provided, single submitter. Criteria: Invitae Variant Classification Sherloc (09022015). Collection method: clinical testing. Allele origin: germline.
Comment: This sequence change replaces asparagine, which is neutral and polar, with lysine, which is basic and polar, at codon 166 of the SERPING1 protein (p.Asn166Lys). This variant is not present in population databases (gnomAD no frequency). This missense change has been observed in individuals with autosomal dominant hereditary angioedema (PMID: 25258140, 26812872; internal data). ClinVar contains an entry for this variant (Variation ID: 2735609). Invitae Evidence Modeling of protein sequence and biophysical properties (such as structural, functional, and spatial information, amino acid conservation, physicochemical variation, residue mobility, and thermodynamic stability) indicates that this missense variant is not expected to disrupt SERPING1 protein function with a negative predictive value of 80%. This variant disrupts the 25258140, 26812872, 31517426 amino acid residue in SERPING1. Other variant(s) that disrupt this residue have been observed in individuals with SERPING1-related conditions (p.Asn166), which suggests that this may be a clinically significant amino acid residue. In summary, the currently available evidence indicates that the variant is pathogenic, but additional data are needed to prove that conclusively. Therefore, this variant has been classified as Likely Pathogenic.

Literature cited by the submitters: PubMed 25258140 (cited by Labcorp Genetics (formerly Invitae), Labcorp); PubMed 26812872 (cited by Labcorp Genetics (formerly Invitae), Labcorp).

NM_000062.3(SERPING1):c.498C>A (p.Asn166Lys)

Gene: SERPING1 (serpin family G member 1; plus strand). Cytogenetic location: 11q12.1.
Variant type: single nucleotide variant.
Coding change: c.498C>A on transcript NM_000062.3 (MANE Select); coding-DNA position 498, C replaced by A.
Protein change: p.Asn166Lys; replaces asparagine 166 with lysine.
Molecular consequence: missense variant.
Genome position (GRCh38, 1-based): chr11:57,600,325, C>A. VCF-style: chr11-57600325-C-A. GRCh37 (hg19) VCF-style: chr11-57367798-C-A.
Other names: c.498C>A, p.Asn166Lys (NM_001032295.2); short protein forms N166K.
Identifiers: ClinVar variation 2735609 (VCV002735609.7), dbSNP rs2495426698, ClinGen allele CA380695532.